The following is an entry in ClinVar:

ClinVar aggregate classification (germline): Uncertain significance (1 of 4 stars; one submission).

Conditions:
Neuropathy, hereditary sensory, type 2C. Also called: Hereditary sensory and autonomic neuropathy type IIC; KIF1A-Related HSAN2 (HSAN2C). Identifiers: Orphanet 970, MedGen C3280168, MONDO:0013634, OMIM 614213.
Intellectual disability, autosomal dominant 9 (NESCAVS). Also called: KIF1A-Related Neurodevelopmental Disorder; NESCAV SYNDROME. Identifiers: Orphanet 662367, MedGen C5393830, MONDO:0013656, OMIM 614255.
Hereditary spastic paraplegia 30. Identifiers: Orphanet 101010, MedGen C5235139, MONDO:0012476.

gnomAD v4.1: 1 of 1,547,886 alleles (0.000065%); highest among the groups gnomAD compares: Non-Finnish European, 0.000087%; no homozygotes.

Submission:

Labcorp Genetics (formerly Invitae), Labcorp
Classification: Uncertain significance for Hereditary spastic paraplegia 30; Neuropathy, hereditary sensory, type 2C; Intellectual disability, autosomal dominant 9. Last evaluated: 2024-10-07. Review status: criteria provided, single submitter. Criteria: Invitae Variant Classification Sherloc (09022015). Collection method: clinical testing. Allele origin: germline.
Comment: This sequence change replaces proline, which is neutral and non-polar, with serine, which is neutral and polar, at codon 1440 of the KIF1A protein (p.Pro1440Ser). This variant is not present in population databases (gnomAD no frequency). This missense change has been observed in individual(s) with clinical features of hereditary spastic paraplegia (internal data). ClinVar contains an entry for this variant (Variation ID: 1003713). Invitae Evidence Modeling of protein sequence and biophysical properties (such as structural, functional, and spatial information, amino acid conservation, physicochemical variation, residue mobility, and thermodynamic stability) indicates that this missense variant is not expected to disrupt KIF1A protein function with a negative predictive value of 95%. In summary, the available evidence is currently insufficient to determine the role of this variant in disease. Therefore, it has been classified as a Variant of Uncertain Significance.

NM_001244008.2(KIF1A):c.4621C>T (p.Pro1541Ser)

Gene: KIF1A (kinesin family member 1A; minus strand). Cytogenetic location: 2q37.3.
Variant type: single nucleotide variant.
Coding change: c.4621C>T on transcript NM_001244008.2 (MANE Select); coding-DNA position 4621, C replaced by T.
Protein change: p.Pro1541Ser; replaces proline 1541 with serine.
Molecular consequence: missense variant.
Genome position (GRCh38, 1-based): chr2:240,722,500, G>A on the plus strand (C>T on the coding strand, the complement: KIF1A is on the minus strand). VCF-style: chr2-240722500-G-A. GRCh37 (hg19) VCF-style: chr2-241661917-G-A.
Other names: c.4345C>T, p.Pro1449Ser (NM_001320705.2, NM_001379649.1); c.4372C>T, p.Pro1458Ser (NM_001330289.2); c.4420C>T, p.Pro1474Ser (NM_001330290.2, NM_001379648.1); c.4696C>T, p.Pro1566Ser (NM_001379631.1); c.4597C>T, p.Pro1533Ser (NM_001379632.1); c.4594C>T, p.Pro1532Ser (NM_001379633.1, NM_001379645.1); c.4447C>T, p.Pro1483Ser (NM_001379634.1); c.4444C>T, p.Pro1482Ser (NM_001379635.1, NM_001379646.1); and 7 more; short protein forms P1439S, P1440S, P1448S, P1449S, P1457S, P1458S, P1465S, P1474S.
Identifiers: ClinVar variation 1003713 (VCV001003713.11), dbSNP rs1457334989, ClinGen allele CA351303763.